The following is an entry in ClinVar:

ClinVar aggregate classification (germline): Benign. Review status: criteria provided, single submitter (1 of 4 stars). 2 submissions from 2 submitters: Benign (1). 1 of the submissions does not count toward it. Last evaluated 2019-12-31.

Conditions:
DMXL1-related disorder. Also called: DMXL1-related condition.

Allele frequency attached by ClinVar (database versions not stated): gnomAD exomes 0.00262; ExAC 0.00329; TOPMed 0.01147; 1000 Genomes Project 0.01158; ESP Exome Variant Server 0.01169; 1000 Genomes Project 30x 0.01171.
gnomAD v4.1: 3,160 of 1,613,934 alleles (0.2%); highest among the groups gnomAD compares: African/African-American, 3.8%; 65 homozygotes.

Submissions (2):

Labcorp Genetics (formerly Invitae), Labcorp
Classification: Benign. Last evaluated: 2019-12-31. Review status: criteria provided, single submitter. Criteria: Invitae Variant Classification Sherloc (09022015). Collection method: clinical testing. Allele origin: germline.

PreventionGenetics, part of Exact Sciences
Classification: Benign for DMXL1-related condition. Last evaluated: 2019-03-08. Review status: no assertion criteria provided. Collection method: clinical testing. Allele origin: germline. Not counted in ClinVar's aggregate classification.
Comment: This variant is classified as benign based on ACMG/AMP sequence variant interpretation guidelines (Richards et al. 2015 PMID: 25741868, with internal and published modifications).

NM_001290321.3(DMXL1):c.651C>T (p.Ser217=)

Gene: DMXL1 (Dmx like 1; plus strand). Cytogenetic location: 5q23.1.
Variant type: single nucleotide variant.
Coding change: c.651C>T on transcript NM_001290321.3 (MANE Select); coding-DNA position 651, C replaced by T.
Protein change: p.Ser217=; no amino-acid change (serine 217 retained).
Molecular consequence: synonymous variant. On other transcripts: non-coding transcript variant (3).
Genome position (GRCh38, 1-based): chr5:119,116,244, C>T. VCF-style: chr5-119116244-C-T. GRCh37 (hg19) VCF-style: chr5-118451939-C-T.
Other names: c.651C>T, p.Ser217= (NM_001349239.2, NM_001349240.2, NM_001387933.1 and 4 more transcripts); c.651C>T (NM_001290321.2).
Identifiers: ClinVar variation 713080 (VCV000713080.6), dbSNP rs79398204, ClinGen allele CA3379185.